The following is an entry in ClinVar:

ClinVar aggregate classification (germline): Uncertain significance (1 of 4 stars; one submission).

Submission:

Labcorp Genetics (formerly Invitae), Labcorp
Classification: Uncertain significance. Last evaluated: 2022-04-20. Review status: criteria provided, single submitter. Criteria: Invitae Variant Classification Sherloc (09022015). Collection method: clinical testing. Allele origin: germline.
Comment: In summary, the available evidence is currently insufficient to determine the role of this variant in disease. Therefore, it has been classified as a Variant of Uncertain Significance. Algorithms developed to predict the effect of missense changes on protein structure and function (SIFT, PolyPhen-2, Align-GVGD) all suggest that this variant is likely to be tolerated. This variant has not been reported in the literature in individuals affected with ASPM-related conditions. This variant is not present in population databases (gnomAD no frequency). This sequence change replaces leucine, which is neutral and non-polar, with valine, which is neutral and non-polar, at codon 378 of the ASPM protein (p.Leu378Val).

NM_018136.5(ASPM):c.1132C>G (p.Leu378Val)

Gene: ASPM (assembly factor for spindle microtubules; minus strand). Cytogenetic location: 1q31.3.
Variant type: single nucleotide variant.
Coding change: c.1132C>G on transcript NM_018136.5 (MANE Select); coding-DNA position 1132, C replaced by G.
Protein change: p.Leu378Val; replaces leucine 378 with valine.
Molecular consequence: missense variant.
Genome position (GRCh38, 1-based): chr1:197,143,120, G>C on the plus strand (C>G on the coding strand, the complement: ASPM is on the minus strand). VCF-style: chr1-197143120-G-C. GRCh37 (hg19) VCF-style: chr1-197112250-G-C.
Other names: c.1132C>G, p.Leu378Val (NM_001206846.2); short protein forms L378V.
Identifiers: ClinVar variation 2128476 (VCV002128476.4), dbSNP rs2527404066, ClinGen allele CA344017482.